The following is an entry in ClinVar:

ClinVar aggregate classification (germline): Uncertain significance (1 of 4 stars; one submission).

Submission:

Labcorp Genetics (formerly Invitae), Labcorp
Classification: Uncertain significance. Last evaluated: 2025-11-04. Review status: criteria provided, single submitter. Criteria: Invitae Variant Classification Sherloc (09022015). Collection method: clinical testing. Allele origin: germline.
Comment: This sequence change replaces histidine, which is basic and polar, with leucine, which is neutral and non-polar, at codon 239 of the MARS2 protein (p.His239Leu). This variant is present in population databases (rs774367837, gnomAD 0.01%). This variant has not been reported in the literature in individuals affected with MARS2-related conditions. Invitae Evidence Modeling of protein sequence and biophysical properties (such as structural, functional, and spatial information, amino acid conservation, physicochemical variation, residue mobility, and thermodynamic stability) indicates that this missense variant is not expected to disrupt MARS2 protein function with a negative predictive value of 80%. In summary, the available evidence is currently insufficient to determine the role of this variant in disease. Therefore, it has been classified as a Variant of Uncertain Significance.

NM_138395.4(MARS2):c.716A>T (p.His239Leu)

Gene: MARS2 (methionyl-tRNA synthetase 2, mitochondrial; plus strand). Cytogenetic location: 2q33.1.
Variant type: single nucleotide variant.
Coding change: c.716A>T on transcript NM_138395.4 (MANE Select); coding-DNA position 716, A replaced by T.
Protein change: p.His239Leu; replaces histidine 239 with leucine.
Molecular consequence: missense variant.
Genome position (GRCh38, 1-based): chr2:197,706,121, A>T. VCF-style: chr2-197706121-A-T. GRCh37 (hg19) VCF-style: chr2-198570845-A-T.
Other names: short protein forms H239L.
Identifiers: ClinVar variation 4700943 (VCV004700943.1).